The following is an entry in ClinVar:

ClinVar aggregate classification (germline): Likely benign (1 of 4 stars; one submission).

Conditions:
MEN1-related disorder. Also called: MEN1-related condition.

Submission:

PreventionGenetics, part of Exact Sciences
Classification: Likely benign for MEN1-related condition. Last evaluated: 2025-09-16. Review status: criteria provided, single submitter. Criteria: ACMG Guidelines, 2015. Collection method: clinical testing. Allele origin: germline.
Comment: This variant is classified as likely benign based on ACMG/AMP sequence variant interpretation guidelines (Richards et al. 2015 PMID: 25741868, with internal and published modifications).

NM_001370259.2(MEN1):c.1351-40C>T

Gene: MEN1 (menin 1; minus strand). Cytogenetic location: 11q13.1.
Variant type: single nucleotide variant.
Coding change: c.1351-40C>T on transcript NM_001370259.2 (MANE Select); 40 bases into the intron before coding-DNA position 1351, C replaced by T.
Molecular consequence: intron variant.
Genome position (GRCh38, 1-based): chr11:64,804,856, G>A on the plus strand (C>T on the coding strand, the complement: MEN1 is on the minus strand). VCF-style: chr11-64804856-G-A. GRCh37 (hg19) VCF-style: chr11-64572328-G-A.
Other names: c.1366-40C>T (NM_130804.3, NM_130803.3, NM_000244.4 and 4 more transcripts); c.1246-40C>T (NM_001407148.1, NM_001407149.1, NM_001370263.2 and 1 more transcripts); c.1351-40C>T (NM_130799.3, NM_001370260.2, NM_001407146.1 and 2 more transcripts); c.1477-40C>T (NM_001407144.1, NM_001370251.2, NM_001407142.1 and 1 more transcripts); c.1372-40C>T (NM_001407151.1); c.1186-40C>T (NM_001407152.1); c.1492-40C>T (NM_001407150.1).
Identifiers: ClinVar variation 4990800 (VCV004990800.1).